The following is an entry in ClinVar:

ClinVar aggregate classification (germline): Pathogenic (1 of 4 stars; one submission).

Conditions:
Very long chain acyl-CoA dehydrogenase deficiency (ACADVLD). Also called: Very Long-Chain Acyl-Coenzyme A Dehydrogenase Deficiency; VLCAD Deficiency. Identifiers: Orphanet 26793, MedGen C3887523, MONDO:0008723, OMIM 201475.

gnomAD v4.1: 1 of 1,614,070 alleles (0.000062%); highest among the groups gnomAD compares: Non-Finnish European, 0.000085%; no homozygotes.

Submission:

Labcorp Genetics (formerly Invitae), Labcorp
Classification: Pathogenic for Very long chain acyl-CoA dehydrogenase deficiency. Last evaluated: 2025-12-02. Review status: criteria provided, single submitter. Criteria: Invitae Variant Classification Sherloc (09022015). Collection method: clinical testing. Allele origin: germline.
Comment: This sequence change creates a premature translational stop signal (p.Glu114*) in the ACADVL gene. It is expected to result in an absent or disrupted protein product. Loss-of-function variants in ACADVL are known to be pathogenic (PMID: 9973285, 11590124). This variant is not present in population databases (gnomAD no frequency). This variant has not been reported in the literature in individuals affected with ACADVL-related conditions. For these reasons, this variant has been classified as Pathogenic.

Literature cited by the submitters: PubMed 9973285; PubMed 11590124.

NM_000018.4(ACADVL):c.340G>T (p.Glu114Ter)

Gene: ACADVL (acyl-CoA dehydrogenase very long chain; plus strand). Cytogenetic location: 17p13.1.
Variant type: single nucleotide variant.
Coding change: c.340G>T on transcript NM_000018.4 (MANE Select); coding-DNA position 340, G replaced by T.
Protein change: p.Glu114Ter; replaces glutamic acid 114 with a stop codon.
Molecular consequence: nonsense.
Genome position (GRCh38, 1-based): chr17:7,220,828, G>T. VCF-style: chr17-7220828-G-T. GRCh37 (hg19) VCF-style: chr17-7124147-G-T.
Other names: c.274G>T, p.Glu92Ter (NM_001033859.3); c.409G>T, p.Glu137Ter (NM_001270447.2); c.112G>T, p.Glu38Ter (NM_001270448.2); short protein forms E137*, E92*, E114*, E38*.
Identifiers: ClinVar variation 4732396 (VCV004732396.1).